The following is an entry in ClinVar:

NM_004836.7(EIF2AK3):c.262del (p.Arg88fs)

Gene: EIF2AK3 (eukaryotic translation initiation factor 2 alpha kinase 3; minus strand). Cytogenetic location: 2p11.2.
Variant type: Deletion.
Coding change: c.262del on transcript NM_004836.7 (MANE Select); coding-DNA position 262, one base deleted (C; older notation c.262delC).
Protein change: p.Arg88fs; shifts the reading frame from arginine 88.
Molecular consequence: frameshift variant.
Genome position (GRCh38, 1-based): chr2:88,627,013, G deleted on the plus strand (C on the coding strand, the reverse complement: EIF2AK3 is on the minus strand). VCF-style (leftmost placement, unchanged base first): chr2-88627012-CG-C. GRCh37 (hg19) VCF-style: chr2-88926530-CG-C.
Other names: short protein forms R88fs.
Identifiers: ClinVar variation 2014775 (VCV002014775.4), dbSNP rs2528308390, ClinGen allele CA2577029861.

ClinVar aggregate classification (germline): Pathogenic (1 of 4 stars; one submission).

Submission:

Labcorp Genetics (formerly Invitae), Labcorp
Classification: Pathogenic. Last evaluated: 2022-07-06. Review status: criteria provided, single submitter. Criteria: Invitae Variant Classification Sherloc (09022015). Collection method: clinical testing. Allele origin: germline.
Comment: For these reasons, this variant has been classified as Pathogenic. This sequence change creates a premature translational stop signal (p.Arg88Glyfs*18) in the EIF2AK3 gene. It is expected to result in an absent or disrupted protein product. Loss-of-function variants in EIF2AK3 are known to be pathogenic (PMID: 11997520). This variant is not present in population databases (gnomAD no frequency). This variant has not been reported in the literature in individuals affected with EIF2AK3-related conditions.

Literature cited by the submitters: PubMed 11997520.